The following is an entry in ClinVar:

ClinVar aggregate classification (germline): Conflicting classifications of pathogenicity. Review status: criteria provided, conflicting classifications (1 of 4 stars). 9 submissions from 8 submitters: Uncertain significance (8); Likely benign (1). Last evaluated 2025-12-15.

Conditions:
Familial cutaneous telangiectasia and oropharyngeal predisposition cancer syndrome. Identifiers: Orphanet 313846, MedGen C3281203, MONDO:0013806, OMIM 614564.
Seckel syndrome 1 (SCKL1). Also called: MICROCEPHALIC PRIMORDIAL DWARFISM I. Identifiers: Orphanet 808, MedGen C4551474, MONDO:0008869, OMIM 210600.

Allele frequency attached by ClinVar (database versions not stated): gnomAD exomes 0.00028 and 0.00029; ExAC 0.00031; ESP Exome Variant Server 0.00038; gnomAD 0.00039 and 0.00041; 1000 Genomes Project 30x 0.00016; TOPMed 0.00019; 1000 Genomes Project 0.00020.
gnomAD v4.1: 484 of 1,613,646 alleles (0.03%); highest among the groups gnomAD compares: Non-Finnish European, 0.034%; no homozygotes.

Submissions (9):

Labcorp Genetics (formerly Invitae), Labcorp
Classification: Uncertain significance. Last evaluated: 2025-12-15. Review status: criteria provided, single submitter. Criteria: Invitae Variant Classification Sherloc (09022015). Collection method: clinical testing. Allele origin: germline.
Comment: This sequence change replaces arginine, which is basic and polar, with tryptophan, which is neutral and slightly polar, at codon 1451 of the ATR protein (p.Arg1451Trp). This variant is present in population databases (rs148064542, gnomAD 0.05%). This missense change has been observed in individual(s) with mesothelioma (PMID: 34008015). ClinVar contains an entry for this variant (Variation ID: 157985). An algorithm developed to predict the effect of missense changes on protein structure and function (PolyPhen-2) suggests that this variant is likely to be tolerated. In summary, the available evidence is currently insufficient to determine the role of this variant in disease. Therefore, it has been classified as a Variant of Uncertain Significance.

Laboratory of Genetics, Children's Clinical University Hospital Latvia
Classification: Likely benign. Last evaluated: 2025-02-16. Review status: criteria provided, single submitter. Criteria: ACMG Guidelines, 2015. Collection method: clinical testing. Allele origin: germline. Affected: yes.

CeGaT Center for Human Genetics Tuebingen
Classification: Uncertain significance. Last evaluated: 2025-01-01. Review status: criteria provided, single submitter. Criteria: CeGaT Center For Human Genetics Tuebingen Variant Classification Criteria Version 2. Collection method: clinical testing. Allele origin: germline. Affected: yes. Observed: 4 variant alleles.
Comment: ATR: PM2, BP4

Blueprint Genetics
Classification: Uncertain significance. Last evaluated: 2024-10-10. Review status: criteria provided, single submitter. Criteria: ACMG Guidelines, 2015. Collection method: clinical testing. Allele origin: germline.

Genome-Nilou Lab
Classification: Uncertain significance for Seckel syndrome 1. Last evaluated: 2023-02-08. Review status: criteria provided, single submitter. Criteria: ACMG Guidelines, 2015. Collection method: clinical testing. Allele origin: germline.

Genome-Nilou Lab
Classification: Uncertain significance for Familial cutaneous telangiectasia and oropharyngeal predisposition cancer syndrome. Last evaluated: 2023-02-08. Review status: criteria provided, single submitter. Criteria: ACMG Guidelines, 2015. Collection method: clinical testing. Allele origin: germline.

GeneDx
Classification: Uncertain significance. Last evaluated: 2021-03-11. Review status: criteria provided, single submitter. Criteria: GeneDx Variant Classification Process June 2021. Collection method: clinical testing. Allele origin: germline. Affected: yes.
Comment: In silico analysis supports that this missense variant has a deleterious effect on protein structure/function; Has not been previously published as pathogenic or benign to our knowledge

Illumina Laboratory Services, Illumina
Classification: Uncertain significance for Seckel syndrome 1. Last evaluated: 2018-01-13. Review status: criteria provided, single submitter. Criteria: ICSL Variant Classification Criteria 13 December 2019. Collection method: clinical testing. Allele origin: germline.

Genetic Services Laboratory, University of Chicago
Classification: Uncertain significance for Seckel syndrome 1. Last evaluated: 2014-07-25. Review status: criteria provided, single submitter. Criteria: ACMG Guidelines, 2015. Collection method: clinical testing. Allele origin: germline. Inheritance: Autosomal recessive inheritance.

Literature cited by the submitters: PubMed 34008015 (cited by Labcorp Genetics (formerly Invitae), Labcorp).

NM_001184.4(ATR):c.4351C>T (p.Arg1451Trp)

Gene: ATR (ATR checkpoint kinase; minus strand). Cytogenetic location: 3q23.
Variant type: single nucleotide variant.
Coding change: c.4351C>T on transcript NM_001184.4 (MANE Select); coding-DNA position 4351, C replaced by T.
Protein change: p.Arg1451Trp; replaces arginine 1451 with tryptophan.
Molecular consequence: missense variant.
Genome position (GRCh38, 1-based): chr3:142,519,700, G>A on the plus strand (C>T on the coding strand, the complement: ATR is on the minus strand). VCF-style: chr3-142519700-G-A. GRCh37 (hg19) VCF-style: chr3-142238542-G-A.
Other names: c.4159C>T, p.Arg1387Trp (NM_001354579.2); short protein forms R1451W, R1387W.
Identifiers: ClinVar variation 157985 (VCV000157985.62), dbSNP rs148064542, ClinGen allele CA345982.